The following is an entry in ClinVar:

NM_000064.4(C3):c.2770G>T (p.Gly924Cys)

Gene: C3 (complement C3; minus strand). Cytogenetic location: 19p13.3.
Variant type: single nucleotide variant.
Coding change: c.2770G>T on transcript NM_000064.4 (MANE Select); coding-DNA position 2770, G replaced by T.
Protein change: p.Gly924Cys; replaces glycine 924 with cysteine.
Molecular consequence: missense variant.
Genome position (GRCh38, 1-based): chr19:6,697,370, C>A on the plus strand (G>T on the coding strand, the complement: C3 is on the minus strand). VCF-style: chr19-6697370-C-A. GRCh37 (hg19) VCF-style: chr19-6697381-C-A.
Other names: short protein forms G924C.
Identifiers: ClinVar variation 4280172 (VCV004280172.1).

ClinVar aggregate classification (germline): Uncertain significance (1 of 4 stars; one submission).

Conditions:
C3 glomerulonephritis. Also called: C3 GLOMERULOPATHY 3; Nephropathy due to CFHR5 Deficiency. Identifiers: Orphanet 329931, MedGen C4055342, MONDO:0013892, OMIM 614809.

Submission:

Genomenon, Inc
Classification: Uncertain significance for C3 glomerulonephritis. Last evaluated: 2025-09-30. Review status: criteria provided, single submitter. Criteria: Genomenon Sequence Variant Interpretation Standards. Collection method: curation. Allele origin: germline. Affected: yes.
Comment: C3 p.Gly924Cys (c.2770G>T) is a missense variant that changes the amino acid at residue 924 from Glycine to Cysteine. This variant has been observed in at least one proband affected with C3 glomerulonephritis (PMID:27784126). It is absent or not present at a significant frequency in gnomAD. In conclusion, we classify C3 p.Gly924Cys (c.2770G>T) as a variant of unknown significance.

Literature cited by the submitters: PubMed 27784126.